The following is an entry in ClinVar:

ClinVar aggregate classification (germline): Pathogenic (1 of 4 stars; one submission).

Submission:

Labcorp Genetics (formerly Invitae), Labcorp
Classification: Pathogenic. Last evaluated: 2022-02-24. Review status: criteria provided, single submitter. Criteria: Invitae Variant Classification Sherloc (09022015). Collection method: clinical testing. Allele origin: germline.
Comment: For these reasons, this variant has been classified as Pathogenic. This variant has not been reported in the literature in individuals affected with ACBD5-related conditions. This variant is not present in population databases (gnomAD no frequency). This sequence change creates a premature translational stop signal (p.Trp26*) in the ACBD5 gene. It is expected to result in an absent or disrupted protein product. Loss-of-function variants in ACBD5 are known to be pathogenic (PMID: 23105016, 27799409).

Literature cited by the submitters: PubMed 23105016; PubMed 27799409.

NM_145698.5(ACBD5):c.78G>A (p.Trp26Ter)

Genes: ACBD5 (acyl-CoA binding domain containing 5; minus strand), LOC130003557 (ATAC-STARR-seq lymphoblastoid active region 3182; plus strand). Cytogenetic location: 10p12.1.
Variant type: single nucleotide variant.
Coding change: c.78G>A on transcript NM_145698.5 (MANE Select); coding-DNA position 78, G replaced by A.
Protein change: p.Trp26Ter; replaces tryptophan 26 with a stop codon.
Molecular consequence: nonsense. On other transcripts: 5 prime UTR variant (16).
Genome position (GRCh38, 1-based): chr10:27,240,422, C>T on the plus strand (G>A on the coding strand, the complement: ACBD5 is on the minus strand). VCF-style: chr10-27240422-C-T. GRCh37 (hg19) VCF-style: chr10-27529351-C-T.
Other names: c.-28G>A (NM_001042473.4, NM_001352574.2, NM_001352575.2 and 6 more transcripts); c.72G>A, p.Trp24Ter (NM_001271512.3, NM_001352571.1, NM_001352586.1 and 1 more transcripts); c.-129G>A (NM_001301251.2, NM_001301252.2, NM_001301253.2 and 4 more transcripts); c.99G>A, p.Trp33Ter (NM_001352568.1, NM_001352572.1); c.78G>A, p.Trp26Ter (NM_001352569.1, NM_001352570.1, NM_001352573.1 and 2 more transcripts); short protein forms W26*, W24*, W33*.
Identifiers: ClinVar variation 1412967 (VCV001412967.6), dbSNP rs2138617864, ClinGen allele CA376378812.